The following is an entry in ClinVar:

NM_000632.4(ITGAM):c.1495G>T (p.Gly499Trp)

Gene: ITGAM (integrin subunit alpha M; plus strand). Cytogenetic location: 16p11.2.
Variant type: single nucleotide variant.
Coding change: c.1495G>T on transcript NM_000632.4 (MANE Select); coding-DNA position 1495, G replaced by T.
Protein change: p.Gly499Trp; replaces glycine 499 with tryptophan.
Molecular consequence: missense variant.
Genome position (GRCh38, 1-based): chr16:31,297,652, G>T. VCF-style: chr16-31297652-G-T. GRCh37 (hg19) VCF-style: chr16-31308973-G-T.
Other names: c.1495G>T, p.Gly499Trp (NM_001145808.2); short protein forms G499W.
Identifiers: ClinVar variation 2186670 (VCV002186670.4), dbSNP rs370728405, ClinGen allele CA280602029.
Genomic context (GRCh38, chr16:31,297,652, plus strand): 5'-GCCCCCCATTACTACGAGCAGACCCGAGGGGGCCAGGTGTCCGTGTGCCCCTTGCCCAGG[G>T]GGGTGAGTGGCAATGGGACCTGGGCTGGGTGGGGCCCGGTGTGGGTGGAGGGGTCGCCTG-3'
Protein context (NP_000623.2, residues 489-509): GQVSVCPLPR[Gly499Trp]RARWQCDAVL

ClinVar aggregate classification (germline): Uncertain significance (1 of 4 stars; one submission).

Allele frequency attached by ClinVar (database versions not stated): gnomAD exomes below 0.00001; TOPMed 0.00001.
gnomAD v4.1: 7 of 1,612,380 alleles (0.00043%); highest among the groups gnomAD compares: East Asian, 0.0022%; no homozygotes.

Submission:

Labcorp Genetics (formerly Invitae), Labcorp
Classification: Uncertain significance. Last evaluated: 2024-09-02. Review status: criteria provided, single submitter. Criteria: Invitae Variant Classification Sherloc (09022015). Collection method: clinical testing. Allele origin: germline.
Comment: This sequence change replaces glycine, which is neutral and non-polar, with tryptophan, which is neutral and slightly polar, at codon 499 of the ITGAM protein (p.Gly499Trp). This variant is present in population databases (rs370728405, gnomAD 0.006%). This variant has not been reported in the literature in individuals affected with ITGAM-related conditions. ClinVar contains an entry for this variant (Variation ID: 2186670). An algorithm developed to predict the effect of missense changes on protein structure and function (PolyPhen-2) suggests that this variant is likely to be disruptive. Algorithms developed to predict the effect of sequence changes on RNA splicing suggest that this variant may disrupt the consensus splice site. In summary, the available evidence is currently insufficient to determine the role of this variant in disease. Therefore, it has been classified as a Variant of Uncertain Significance.